The following is an entry in ClinVar:

ClinVar aggregate classification (germline): Benign/Likely benign (0 of 4 stars; one submission).

Submission:

ISCA site 4
Classification: Benign/Likely benign. Last evaluated: 2012-09-21. Review status: no assertion criteria provided. Collection method: clinical testing. Allele origin: unknown. Affected: yes. Observed: 21 variant alleles. Clinical features observed: Abnormal renal morphology (HP:0000792), Preauricular skin tag (HP:0000384), Coloboma (HP:0000589), Anal atresia (HP:0002023), Developmental delay AND/OR other significant developmental or morphological phenotypes, Bilateral sensorineural hearing impairment (HP:0008619), Global developmental delay (HP:0001263), Incoordination (HP:0002311), Expressive language delay (HP:0002474), Morphological abnormality of the central nervous system (HP:0002011), Abnormal facial shape (HP:0002260), Defect in the atrial septum (HP:0001631), and 16 more.
Comment: Likely benign (20), Benign (1)

Copy number variation identified through the course of routine clinical cytogenomic testing in postnatal populations, with clinical assertions as classified by the original submitter.

GRCh38/hg38 8p11.1(chr8:43516300-43528060)x3

Variant type: copy number gain.
Change: copy number 3 (three copies instead of two) of chr8:43,516,300-43,528,060 (11.8 kb, GRCh38 coordinates, 1-based), cytogenetic band 8p11.1.
Identifiers: ClinVar variation 149665 (VCV000149665.2).